The following is an entry in ClinVar:

NM_001253697.2(ERBIN):c.1315A>G (p.Ile439Val)

Gene: ERBIN (erbb2 interacting protein; plus strand). Cytogenetic location: 5q12.3.
Variant type: single nucleotide variant.
Coding change: c.1315A>G on transcript NM_001253697.2 (MANE Select); coding-DNA position 1315, A replaced by G.
Protein change: p.Ile439Val; replaces isoleucine 439 with valine.
Molecular consequence: missense variant.
Genome position (GRCh38, 1-based): chr5:66,043,085, A>G. VCF-style: chr5-66043085-A-G. GRCh37 (hg19) VCF-style: chr5-65338913-A-G.
Other names: c.1315A>G, p.Ile439Val (NM_001006600.3, NM_001253698.2, NM_001253699.2 and 2 more transcripts); short protein forms I439V.
Identifiers: ClinVar variation 2747538 (VCV002747538.3), dbSNP rs776169697, ClinGen allele CA3286235.

ClinVar aggregate classification (germline): Uncertain significance (1 of 4 stars; one submission).

Allele frequency attached by ClinVar (database versions not stated): gnomAD exomes below 0.00001; ExAC 0.00001.
gnomAD v4.1: 4 of 1,598,650 alleles (0.00025%); highest among the groups gnomAD compares: South Asian, 0.0033%; no homozygotes.

Submission:

Labcorp Genetics (formerly Invitae), Labcorp
Classification: Uncertain significance. Last evaluated: 2023-05-29. Review status: criteria provided, single submitter. Criteria: Invitae Variant Classification Sherloc (09022015). Collection method: clinical testing. Allele origin: germline.
Comment: In summary, the available evidence is currently insufficient to determine the role of this variant in disease. Therefore, it has been classified as a Variant of Uncertain Significance. Algorithms developed to predict the effect of missense changes on protein structure and function output the following: SIFT: "Not Available"; PolyPhen-2: "Benign"; Align-GVGD: "Not Available". The valine amino acid residue is found in multiple mammalian species, which suggests that this missense change does not adversely affect protein function. This variant has not been reported in the literature in individuals affected with ERBIN-related conditions. This variant is present in population databases (rs776169697, gnomAD 0.003%). This sequence change replaces isoleucine, which is neutral and non-polar, with valine, which is neutral and non-polar, at codon 439 of the ERBIN protein (p.Ile439Val).